The following is an entry in ClinVar:

NM_003097.6(SNRPN):c.449T>C (p.Val150Ala)

Genes: SNHG14 (small nucleolar RNA host gene 14; plus strand), SNRPN (small nuclear ribonucleoprotein polypeptide N; plus strand), SNURF (SNRPN upstream open reading frame; plus strand). Cytogenetic location: 15q11.2.
Variant type: single nucleotide variant.
Coding change: c.449T>C on transcript NM_003097.6 (MANE Select); coding-DNA position 449, T replaced by C.
Protein change: p.Val150Ala; replaces valine 150 with alanine.
Molecular consequence: missense variant. On other transcripts: 3 prime UTR variant (1), non-coding transcript variant (1).
Genome position (GRCh38, 1-based): chr15:24,977,806, T>C. VCF-style: chr15-24977806-T-C. GRCh37 (hg19) VCF-style: chr15-25222953-T-C.
Other names: c.449T>C, p.Val150Ala (NM_001349456.2, NM_001349457.2, NM_001349458.2 and 99 more transcripts); c.185T>C, p.Val62Ala (NM_001400768.1); c.*637T>C (NM_005678.5); c.425T>C, p.Val142Ala (NM_001400767.1, NM_001378256.1, NM_001378257.1); c.461T>C, p.Val154Ala (NM_001378251.1, NM_001378252.1, NM_001378253.1 and 2 more transcripts); short protein forms V142A, V150A, V154A, V62A.
Identifiers: ClinVar variation 3896148 (VCV003896148.2).

ClinVar aggregate classification (germline): Uncertain significance (1 of 4 stars; one submission).

gnomAD v4.1: 1 of 1,613,314 alleles (0.000062%); highest among the groups gnomAD compares: Admixed American, 0.0017%; no homozygotes.

Submission:

Women's Health and Genetics/Laboratory Corporation of America, LabCorp
Classification: Uncertain significance. Last evaluated: 2025-04-21. Review status: criteria provided, single submitter. Criteria: LabCorp Variant Classification Summary - May 2015. Collection method: clinical testing. Allele origin: germline.
Comment: Variant summary: SNRPN c.449T>C (p.Val150Ala) results in a non-conservative amino acid change in the encoded protein sequence. Three of five in-silico tools predict a benign effect of the variant on protein function. The variant was absent in 246314 control chromosomes. The available data on variant occurrences in the general population are insufficient to allow any conclusion about variant significance. To our knowledge, no occurrence of c.449T>C in individuals affected with Angelman Syndrome and no experimental evidence demonstrating its impact on protein function have been reported. No submitters have cited clinical-significance assessments for this variant to ClinVar. Based on the evidence outlined above, the variant was classified as uncertain significance.